The following is an entry in ClinVar:

ClinVar aggregate classification (germline): Uncertain significance (1 of 4 stars; one submission).

Submission:

Labcorp Genetics (formerly Invitae), Labcorp
Classification: Uncertain significance. Last evaluated: 2026-01-16. Review status: criteria provided, single submitter. Criteria: Invitae Variant Classification Sherloc (09022015). Collection method: clinical testing. Allele origin: germline.
Comment: This sequence change replaces leucine, which is neutral and non-polar, with isoleucine, which is neutral and non-polar, at codon 498 of the EDEM3 protein (p.Leu498Ile). This variant is not present in population databases (gnomAD no frequency). This variant has not been reported in the literature in individuals affected with EDEM3-related conditions. Experimental studies and prediction algorithms are not available or were not evaluated, and the functional significance of this variant is currently unknown. In summary, the available evidence is currently insufficient to determine the role of this variant in disease. Therefore, it has been classified as a Variant of Uncertain Significance.

NM_025191.4(EDEM3):c.1492C>A (p.Leu498Ile)

Gene: EDEM3 (ER degradation enhancing alpha-mannosidase like protein 3; minus strand). Cytogenetic location: 1q25.3.
Variant type: single nucleotide variant.
Coding change: c.1492C>A on transcript NM_025191.4 (MANE Select); coding-DNA position 1492, C replaced by A.
Protein change: p.Leu498Ile; replaces leucine 498 with isoleucine.
Molecular consequence: missense variant. On other transcripts: non-coding transcript variant (1).
Genome position (GRCh38, 1-based): chr1:184,712,477, G>T on the plus strand (C>A on the coding strand, the complement: EDEM3 is on the minus strand). VCF-style: chr1-184712477-G-T. GRCh37 (hg19) VCF-style: chr1-184681611-G-T.
Other names: c.1492C>A, p.Leu498Ile (NM_001319960.2); short protein forms L498I.
Identifiers: ClinVar variation 4735488 (VCV004735488.1).